The following is an entry in ClinVar:

ClinVar aggregate classification (germline): Uncertain significance (1 of 4 stars; one submission).

Conditions:
Long QT syndrome (LQTS). Identifiers: MedGen C0023976, MeSH D008133, MONDO:0002442. Disease mechanism: loss of function. Inheritance: Various modes of inheritance.

Allele frequency attached by ClinVar (database versions not stated): TOPMed 0.00001.
gnomAD v4.1: 14 of 1,613,048 alleles (0.00087%); highest among the groups gnomAD compares: South Asian, 0.0077%; no homozygotes.

Submission:

Labcorp Genetics (formerly Invitae), Labcorp
Classification: Uncertain significance for Long QT syndrome. Last evaluated: 2025-02-05. Review status: criteria provided, single submitter. Criteria: Invitae Variant Classification Sherloc (09022015). Collection method: clinical testing. Allele origin: germline.
Comment: This sequence change replaces arginine, which is basic and polar, with cysteine, which is neutral and slightly polar, at codon 373 of the SNTA1 protein (p.Arg373Cys). This variant is present in population databases (rs752149940, gnomAD 0.01%). This variant has not been reported in the literature in individuals affected with SNTA1-related conditions. ClinVar contains an entry for this variant (Variation ID: 2853928). Invitae Evidence Modeling of protein sequence and biophysical properties (such as structural, functional, and spatial information, amino acid conservation, physicochemical variation, residue mobility, and thermodynamic stability) has been performed for this missense variant. However, the output from this modeling did not meet the statistical confidence thresholds required to predict the impact of this variant on SNTA1 protein function. In summary, the available evidence is currently insufficient to determine the role of this variant in disease. Therefore, it has been classified as a Variant of Uncertain Significance.

NM_003098.3(SNTA1):c.1117C>T (p.Arg373Cys)

Gene: SNTA1 (syntrophin alpha 1; minus strand). Cytogenetic location: 20q11.21.
Variant type: single nucleotide variant.
Coding change: c.1117C>T on transcript NM_003098.3 (MANE Select); coding-DNA position 1117, C replaced by T.
Protein change: p.Arg373Cys; replaces arginine 373 with cysteine.
Molecular consequence: missense variant.
Genome position (GRCh38, 1-based): chr20:33,410,255, G>A on the plus strand (C>T on the coding strand, the complement: SNTA1 is on the minus strand). VCF-style: chr20-33410255-G-A. GRCh37 (hg19) VCF-style: chr20-31998061-G-A.
Other names: c.1117C>T, p.Arg373Cys (NM_001424413.1, NM_001424414.1); short protein forms R373C.
Identifiers: ClinVar variation 2853928 (VCV002853928.3), dbSNP rs752149940, ClinGen allele CA9817036.